The following is an entry in ClinVar:

ClinVar aggregate classification (germline): Benign/Likely benign. Review status: criteria provided, multiple submitters, no conflicts (2 of 4 stars). 14 submissions from 14 submitters: Benign (8); Likely benign (1). 5 of the submissions do not count toward it. Last evaluated 2026-02-04.

Conditions:
Hereditary spastic paraplegia. Also called: Familial spastic paraparesis. Identifiers: Orphanet 685, MedGen C0037773, MONDO:0019064. Disease mechanism: loss of function.
Charlevoix-Saguenay spastic ataxia (SACS). Also called: SPASTIC ATAXIA 6, AUTOSOMAL RECESSIVE; AUTOSOMAL RECESSIVE SPASTIC ATAXIA OF CHARLEVOIX-SAGUENAY; Spastic ataxia of Charlevoix-Saguenay. Identifiers: Orphanet 98, MedGen C1849140, MONDO:0010041, OMIM 270550.
Spastic paraplegia. Identifiers: MedGen C0037772, HP:0001258.

Allele frequency attached by ClinVar (database versions not stated): 1000 Genomes Project 30x 0.98407; ESP Exome Variant Server 0.98439; TOPMed 0.98490; 1000 Genomes Project 0.98542; gnomAD 0.98600 and 0.98684; ExAC 0.99566; gnomAD exomes 0.99644 and 0.99875.
gnomAD v4.1: 1,609,550 of 1,613,474 alleles (100%); highest among the groups gnomAD compares: East Asian, 100%; 802,886 homozygotes.

Submissions (14):

Labcorp Genetics (formerly Invitae), Labcorp
Classification: Benign for Spastic paraplegia. Last evaluated: 2026-02-04. Review status: criteria provided, single submitter. Criteria: Invitae Variant Classification Sherloc (09022015). Collection method: clinical testing. Allele origin: germline.

Blueprint Genetics
Classification: Likely benign. Last evaluated: 2024-11-27. Review status: criteria provided, single submitter. Criteria: ACMG Guidelines, 2015. Collection method: clinical testing. Allele origin: germline.

Genome-Nilou Lab
Classification: Benign for Charlevoix-Saguenay spastic ataxia. Last evaluated: 2021-07-01. Review status: criteria provided, single submitter. Criteria: ACMG Guidelines, 2015. Collection method: clinical testing. Allele origin: germline. Affected: no.

Athena Diagnostics
Classification: Benign. Last evaluated: 2019-09-20. Review status: criteria provided, single submitter. Criteria: Athena Diagnostics Criteria. Collection method: clinical testing. Allele origin: unknown.

GeneDx
Classification: Benign. Last evaluated: 2018-07-05. Review status: criteria provided, single submitter. Criteria: GeneDx Variant Classification Process June 2021. Collection method: clinical testing. Allele origin: germline. Affected: yes.

Genome Diagnostics Laboratory, The Hospital for Sick Children
Classification: Benign for Hereditary spastic paraplegia. Last evaluated: 2016-12-12. Review status: criteria provided, single submitter. Criteria: ACMG Guidelines, 2015. Collection method: clinical testing. Allele origin: germline. Affected: yes.

Clinical Genetics DNA and cytogenetics Diagnostics Lab, Erasmus MC, Erasmus Medical Center
Classification: Benign for Charlevoix-Saguenay spastic ataxia. Last evaluated: 2015-09-21. Review status: criteria provided, single submitter. Criteria: ACGS Guidelines, 2013. Collection method: clinical testing. Allele origin: germline. Affected: yes. Study: VKGL Data-share Consensus.

Breakthrough Genomics
Classification: Benign. Review status: criteria provided, single submitter. Criteria: ACMG Guidelines, 2015. Collection method: not provided. Allele origin: germline. Inheritance: Autosomal recessive inheritance. Affected: yes.

PreventionGenetics, part of Exact Sciences
Classification: Benign. Review status: criteria provided, single submitter. Criteria: ACMG Guidelines, 2015. Collection method: clinical testing. Allele origin: germline.

Natera, Inc.
Classification: Benign for Charlevoix-Saguenay type spastic ataxia. Last evaluated: 2019-11-16. Review status: no assertion criteria provided. Collection method: clinical testing. Allele origin: germline. Not counted in ClinVar's aggregate classification.

Mayo Clinic Laboratories, Mayo Clinic
Classification: Benign. Last evaluated: 2016-02-19. Review status: no assertion criteria provided. Collection method: clinical testing. Allele origin: unknown. Not counted in ClinVar's aggregate classification.

Diagnostic Laboratory, Department of Genetics, University Medical Center Groningen
Classification: Benign for Charlevoix-Saguenay spastic ataxia. Review status: no assertion criteria provided. Collection method: clinical testing. Allele origin: germline. Affected: yes. Study: VKGL Data-share Consensus. Not counted in ClinVar's aggregate classification.

Genetic Services Laboratory, University of Chicago
Classification: Likely benign for AllHighlyPenetrant. Review status: no assertion criteria provided. Collection method: clinical testing. Allele origin: germline. Inheritance: Autosomal recessive inheritance. Not counted in ClinVar's aggregate classification.
Comment: Likely benign based on allele frequency in 1000 Genomes Project or ESP global frequency and its presence in a patient with a rare or unrelated disease phenotype. NOT Sanger confirmed.

Joint Genome Diagnostic Labs from Nijmegen and Maastricht, Radboudumc and MUMC+
Classification: Benign. Review status: no assertion criteria provided. Collection method: clinical testing. Allele origin: germline. Affected: yes. Study: VKGL Data-share Consensus. Not counted in ClinVar's aggregate classification.

NM_014363.6(SACS):c.10338G>A (p.Gln3446=)

Gene: SACS (sacsin molecular chaperone; minus strand). Cytogenetic location: 13q12.12.
Variant type: single nucleotide variant.
Coding change: c.10338G>A on transcript NM_014363.6 (MANE Select); coding-DNA position 10338, G replaced by A.
Protein change: p.Gln3446=; no amino-acid change (glutamine 3446 retained).
Molecular consequence: synonymous variant.
Genome position (GRCh38, 1-based): chr13:23,333,538, C>T on the plus strand (G>A on the coding strand, the complement: SACS is on the minus strand). VCF-style: chr13-23333538-C-T. GRCh37 (hg19) VCF-style: chr13-23907677-C-T.
Other names: c.9897G>A, p.Gln3299= (NM_001278055.2).
Identifiers: ClinVar variation 130200 (VCV000130200.40), dbSNP rs2737701, ClinGen allele CA155038.
Genomic context (GRCh38, chr13:23,333,538, plus strand): 5'-AATCACCTCATATAGTTCTTTTAAGTGTATTTTTTCTTCAAGAAATGCAGATGATGATGA[C>T]TGTGTCCATTTCTCCACTTCAGCTGAAGGGATACTTTTTGTAAGTACGTAGCATGTTCCA-3'
Protein context (NP_055178.3, residues 3436-3456): IPSAEVEKWT[Gln3446=]SSSSAFLEEK